The following is an entry in ClinVar:

ClinVar aggregate classification (germline): Uncertain significance (1 of 4 stars; one submission).

Conditions:
TTN-related disorder. Also called: TTN-related disorders; TTN-related condition; TTN-related disease.

gnomAD v4.1: 25 of 1,611,884 alleles (0.0016%); highest among the groups gnomAD compares: African/African-American, 0.0027%; no homozygotes.

Submission:

PreventionGenetics, part of Exact Sciences
Classification: Uncertain significance for TTN-related condition. Last evaluated: 2025-09-10. Review status: criteria provided, single submitter. Criteria: ACMG Guidelines, 2015. Collection method: clinical testing. Allele origin: germline.
Comment: The TTN c.29125G>A variant is predicted to result in the amino acid substitution p.Val9709Ile. To our knowledge, this variant has not been reported in the literature. This variant is reported in 0.0042% of alleles in individuals of African descent in gnomAD. At this time, the clinical significance of this variant is uncertain due to the absence of conclusive functional and genetic evidence.

NM_001267550.2(TTN):c.29125G>A (p.Val9709Ile)

Gene: TTN (titin; minus strand). Cytogenetic location: 2q31.2.
Variant type: single nucleotide variant.
Coding change: c.29125G>A on transcript NM_001267550.2 (MANE Select); coding-DNA position 29125, G replaced by A.
Protein change: p.Val9709Ile; replaces valine 9709 with isoleucine.
Molecular consequence: missense variant. On other transcripts: intron variant (3).
Genome position (GRCh38, 1-based): chr2:178,706,871, C>T on the plus strand (G>A on the coding strand, the complement: TTN is on the minus strand). VCF-style: chr2-178706871-C-T. GRCh37 (hg19) VCF-style: chr2-179571598-C-T.
Other names: c.28174G>A, p.Val9392Ile (NM_001256850.1); c.25393G>A, p.Val8465Ile (NM_133378.4); c.13282+31211G>A (NM_003319.4); c.13858+31211G>A (NM_133437.4); c.13657+31211G>A (NM_133432.3); short protein forms V9709I, V8465I, V9392I.
Identifiers: ClinVar variation 4988318 (VCV004988318.1).